The following is an entry in ClinVar:

NM_001142966.3(GREB1L):c.4969G>A (p.Ala1657Thr)

Gene: GREB1L (GREB1 like retinoic acid receptor coactivator; plus strand). Cytogenetic location: 18q11.2.
Variant type: single nucleotide variant.
Coding change: c.4969G>A on transcript NM_001142966.3 (MANE Select); coding-DNA position 4969, G replaced by A.
Protein change: p.Ala1657Thr; replaces alanine 1657 with threonine.
Molecular consequence: missense variant.
Genome position (GRCh38, 1-based): chr18:21,515,484, G>A. VCF-style: chr18-21515484-G-A. GRCh37 (hg19) VCF-style: chr18-19095445-G-A.
Other names: c.5098G>A, p.Ala1700Thr (NM_001410867.1); c.4642G>A, p.Ala1548Thr (NM_001410868.1); short protein forms A1548T, A1657T, A1700T.
Identifiers: ClinVar variation 3351907 (VCV003351907.1).

ClinVar aggregate classification (germline): Uncertain significance (0 of 4 stars; one submission).

Conditions:
GREB1L-related disorder. Also called: GREB1L-related condition.

gnomAD v4.1: 5 of 1,551,554 alleles (0.00032%); highest among the groups gnomAD compares: Admixed American, 0.0059%; no homozygotes.

Submission:

PreventionGenetics, part of Exact Sciences
Classification: Uncertain significance for GREB1L-related condition. Last evaluated: 2024-09-09. Review status: no assertion criteria provided. Collection method: clinical testing. Allele origin: germline.
Comment: The GREB1L c.4969G>A variant is predicted to result in the amino acid substitution p.Ala1657Thr. To our knowledge, this variant has not been reported in the literature or in a large population database, indicating this variant is rare. At this time, the clinical significance of this variant is uncertain due to the absence of conclusive functional and genetic evidence.